The following is an entry in ClinVar:

ClinVar aggregate classification (germline): Uncertain significance. Review status: criteria provided, multiple submitters, no conflicts (2 of 4 stars). 2 submissions from 2 submitters: Uncertain significance (2). Last evaluated 2025-10-07.

gnomAD v4.1: 2 of 1,613,722 alleles (0.00012%); highest among the groups gnomAD compares: South Asian, 0.0022%; no homozygotes.

Submissions (2):

Ambry Genetics
Classification: Uncertain significance. Last evaluated: 2025-10-07. Review status: criteria provided, single submitter. Criteria: Ambry Variant Classification Scheme 2023. Collection method: clinical testing. Allele origin: germline.

Labcorp Genetics (formerly Invitae), Labcorp
Classification: Uncertain significance. Last evaluated: 2025-04-02. Review status: criteria provided, single submitter. Criteria: Invitae Variant Classification Sherloc (09022015). Collection method: clinical testing. Allele origin: germline.
Comment: This sequence change replaces tyrosine, which is neutral and polar, with cysteine, which is neutral and slightly polar, at codon 244 of the CETP protein (p.Tyr244Cys). This variant is present in population databases (no rsID available, gnomAD 0.003%). This variant has not been reported in the literature in individuals affected with CETP-related conditions. Invitae Evidence Modeling of protein sequence and biophysical properties (such as structural, functional, and spatial information, amino acid conservation, physicochemical variation, residue mobility, and thermodynamic stability) indicates that this missense variant is expected to disrupt CETP protein function with a positive predictive value of 80%. In summary, the available evidence is currently insufficient to determine the role of this variant in disease. Therefore, it has been classified as a Variant of Uncertain Significance.

NM_000078.3(CETP):c.731A>G (p.Tyr244Cys)

Gene: CETP (cholesteryl ester transfer protein; plus strand). Cytogenetic location: 16q13.
Variant type: single nucleotide variant.
Coding change: c.731A>G on transcript NM_000078.3 (MANE Select); coding-DNA position 731, A replaced by G.
Protein change: p.Tyr244Cys; replaces tyrosine 244 with cysteine.
Molecular consequence: missense variant.
Genome position (GRCh38, 1-based): chr16:56,972,064, A>G. VCF-style: chr16-56972064-A-G. GRCh37 (hg19) VCF-style: chr16-57005976-A-G.
Other names: c.731A>G, p.Tyr244Cys (NM_001286085.2); short protein forms Y244C.
Identifiers: ClinVar variation 4652717 (VCV004652717.2).